The following is an entry in ClinVar:

ClinVar aggregate classification (germline): Uncertain significance (1 of 4 stars; one submission).

Conditions:
Spinocerebellar ataxia 47 (NEDMSF). Also called: neurodevelopmental disorder with motor abnormalities, seizures, and facial dysmorphism; PADDAS SYNDROME. Identifiers: Orphanet 642747, MedGen C4693672, MONDO:0033482, OMIM 620719.

Submission:

Juno Genomics, Hangzhou Juno Genomics, Inc
Classification: Uncertain significance for Spinocerebellar ataxia 47. Review status: criteria provided, single submitter. Criteria: ACMG Guidelines, 2015. Collection method: clinical testing. Allele origin: germline.
Comment: Absent from controls (or at extremely low frequency if recessive) in Genome Aggregation Database.;Missense variant in a gene that has a low rate of benign missense variation.

NM_001020658.2(PUM1):c.1400G>A (p.Gly467Glu)

Gene: PUM1 (pumilio RNA binding family member 1; minus strand). Cytogenetic location: 1p35.2.
Variant type: single nucleotide variant.
Coding change: c.1400G>A on transcript NM_001020658.2 (MANE Select); coding-DNA position 1400, G replaced by A.
Protein change: p.Gly467Glu; replaces glycine 467 with glutamic acid.
Molecular consequence: missense variant.
Genome position (GRCh38, 1-based): chr1:30,974,757, C>T on the plus strand (G>A on the coding strand, the complement: PUM1 is on the minus strand). VCF-style: chr1-30974757-C-T. GRCh37 (hg19) VCF-style: chr1-31447604-C-T.
Other names: c.1400G>A, p.Gly467Glu (NM_014676.3); short protein forms G467E.
Identifiers: ClinVar variation 5006485 (VCV005006485.2).